The following is an entry in ClinVar:

ClinVar aggregate classification (germline): Conflicting classifications of pathogenicity. Review status: criteria provided, conflicting classifications (1 of 4 stars). 5 submissions from 5 submitters: Uncertain significance (4); Likely benign (1). Last evaluated 2025-11-01.

Conditions:
Inborn genetic diseases. Identifiers: MedGen C0950123, MeSH D030342.
Supravalvar aortic stenosis (SVAS). Also called: Supravalvar aortic stenosis, Eisenberg type. Identifiers: Orphanet 3193, MedGen C0003499, MONDO:0008504, OMIM 185500, HP:0004381.
Cutis laxa, autosomal dominant 1 (ADCL1). Also called: ELN-Related Cutis Laxa. Identifiers: Orphanet 90348, MedGen C3276539, MONDO:0007411, OMIM 123700. Disease mechanism: Dominant Negative.

Allele frequency attached by ClinVar (database versions not stated): ExAC 0.00007; gnomAD 0.00007 and 0.00009; gnomAD exomes 0.00008; TOPMed 0.00008; ESP Exome Variant Server 0.00015; 1000 Genomes Project 0.00020; 1000 Genomes Project 30x 0.00031.
gnomAD v4.1: 124 of 1,614,034 alleles (0.0077%); highest among the groups gnomAD compares: Non-Finnish European, 0.0088%; no homozygotes.

Submissions (5):

CeGaT Center for Human Genetics Tuebingen
Classification: Uncertain significance. Last evaluated: 2025-11-01. Review status: criteria provided, single submitter. Criteria: CeGaT Center For Human Genetics Tuebingen Variant Classification Criteria Version 2. Collection method: clinical testing. Allele origin: germline. Affected: yes. Observed: 1 variant allele.
Comment: ELN: PM2, BP4

Labcorp Genetics (formerly Invitae), Labcorp
Classification: Uncertain significance for Supravalvar aortic stenosis. Last evaluated: 2025-10-14. Review status: criteria provided, single submitter. Criteria: Invitae Variant Classification Sherloc (09022015). Collection method: clinical testing. Allele origin: germline.
Comment: This sequence change replaces valine, which is neutral and non-polar, with isoleucine, which is neutral and non-polar, at codon 542 of the ELN protein (p.Val542Ile). This variant is present in population databases (rs372788076, gnomAD 0.01%). This variant has not been reported in the literature in individuals affected with ELN-related conditions. ClinVar contains an entry for this variant (Variation ID: 423742). An algorithm developed to predict the effect of missense changes on protein structure and function outputs the following: PolyPhen-2: "Not Available". The isoleucine amino acid residue is found in multiple mammalian species, which suggests that this missense change does not adversely affect protein function. In summary, the available evidence is currently insufficient to determine the role of this variant in disease. Therefore, it has been classified as a Variant of Uncertain Significance.

Ambry Genetics
Classification: Likely benign for Inborn genetic diseases. Last evaluated: 2022-01-26. Review status: criteria provided, single submitter. Criteria: Ambry Variant Classification Scheme 2023. Collection method: clinical testing. Allele origin: germline.

Victorian Clinical Genetics Services, Murdoch Childrens Research Institute
Classification: Uncertain significance for Cutis laxa, autosomal dominant 1. Last evaluated: 2021-05-06. Review status: criteria provided, single submitter. Criteria: ACMG Guidelines, 2015. Collection method: clinical testing. Allele origin: germline. Inheritance: Autosomal dominant inheritance.
Comment: Based on the classification scheme VCGS_Germline_v1.3.4, this variant is classified as VUS-3C. Following criteria are met: 0103 - Dominant negative is suggested and loss of function is a known mechanism of disease in this gene and are associated with autosomal dominant cutis laxa (ADCL; MIM#123700), and supravalvar aortic stenosis (SVAS; MIM#185500), respectively (PMID: 29501665). (I) 0107 - This gene is associated with autosomal dominant disease. (I) 0112 - The condition associated with this gene has incomplete penetrance (PMIDs: 19844261, 10942104, 31577255). (I) 0115 - Variants in this gene are known to have variable expressivity. Carrier parents have been reported with a milder presentation (PMIDs: 10942104, 31577255). (I) 0200 - Variant is predicted to result in a missense amino acid change from valine to isoleucine. (I) 0251 - This variant is heterozygous. (I) 0310 - Variant is present in gnomAD >=0.001 and <0.01 for a dominant condition (v2: 22 heterozygotes, 0 homozygotes), with a bias in the European population. (I) 0503 - Missense variant consistently predicted to be tolerated by multiple in silico tools or not conserved in placental mammals with a minor amino acid change. (SB) 0604 - Variant is not located in an established domain, motif, hotspot or informative constraint region. (I) 0705 - No comparable missense variants have previous evidence for pathogenicity. (I) 0808 - Previous reports of pathogenicity for this variant are conflicting. This variant has been reported as likely benign (LOVD) and VUS (ClinVar) in a diagnostic setting, however no condition was provided. (I) 0905 - No published segregation evidence has been identified for this variant. (I) 1007 - No published functional evidence has been identified for this variant. (I) Legend: (SP) - Supporting pathogenic, (I) - Information, (SB) - Supporting benign

GeneDx
Classification: Uncertain significance. Last evaluated: 2017-02-20. Review status: criteria provided, single submitter. Criteria: GeneDx Variant Classification (06012015). Collection method: clinical testing. Allele origin: germline. Affected: yes.
Comment: The V513I variant of uncertain significance in the ELN gene has not been published as pathogenic or benign to our knowledge. This variant is not observed at a significant frequency in large population cohorts (Lek et al., 2016; 1000 Genomes Consortium et al., 2015; Exome Variant Server). However, V513I is a conservative amino acid substitution, which is not likely to impact secondary protein structure as these residues share similar properties. This substitution also occurs at a position not conserved across species. Furthermore, in silico analysis predicts this variant likely does not alter the protein structure/function. Lastly, no missense variants in nearby residues have been reported in the Human Gene Mutation Database in association with ELN-related disorders (Stenson et al., 2014). Therefore, based on the currently available information, it is unclear whether this variant is pathogenic or rare benign.

Literature cited by the submitters: PubMed 10942104 (cited by Victorian Clinical Genetics Services, Murdoch Childrens Research Institute); PubMed 19844261 (cited by Victorian Clinical Genetics Services, Murdoch Childrens Research Institute); PubMed 29501665 (cited by Victorian Clinical Genetics Services, Murdoch Childrens Research Institute); PubMed 31577255 (cited by Victorian Clinical Genetics Services, Murdoch Childrens Research Institute).

NM_000501.4(ELN):c.1537G>A (p.Val513Ile)

Genes: ELN (elastin; plus strand), ELN-AS1 (ELN antisense RNA 1; minus strand). Cytogenetic location: 7q11.23.
Variant type: single nucleotide variant.
Coding change: c.1537G>A on transcript NM_000501.4 (MANE Select); coding-DNA position 1537, G replaced by A.
Protein change: p.Val513Ile; replaces valine 513 with isoleucine.
Molecular consequence: missense variant.
Genome position (GRCh38, 1-based): chr7:74,060,008, G>A. VCF-style: chr7-74060008-G-A. GRCh37 (hg19) VCF-style: chr7-73474338-G-A.
Other names: c.1450G>A, p.Val484Ile (NM_001081752.3); c.1495G>A, p.Val499Ile (NM_001081753.3); c.1552G>A, p.Val518Ile (NM_001081754.3); c.1480G>A, p.Val494Ile (NM_001081755.3); c.1537G>A, p.Val513Ile (NM_001278912.2); c.1294G>A, p.Val432Ile (NM_001278913.2); c.1465G>A, p.Val489Ile (NM_001278914.2); c.1555G>A, p.Val519Ile (NM_001278915.2); and 4 more; short protein forms V513I, V480I, V484I, V424I, V489I, V499I, V519I, V432I.
Identifiers: ClinVar variation 423742 (VCV000423742.15), dbSNP rs372788076, ClinGen allele CA4293089.
Genomic context (GRCh38, chr7:74,060,008, plus strand): 5'-CCTGGAGTTGGCTTGGCTCCTGGAGTTGGCGTGGCTCCTGGAGTTGGTGTGGCTCCTGGC[G>A]TTGGCGTGGCTCCCGGCATTGGCCCTGGTGGAGTTGCAGGTGAGTTTCATGAGTCAATGA-3'
Protein context (NP_000492.2, residues 503-523): VAPGVGVAPG[Val513Ile]GVAPGIGPGG